The following is an entry in ClinVar:

ClinVar aggregate classification (germline): Benign. Review status: criteria provided, multiple submitters, no conflicts (2 of 4 stars). 3 submissions from 3 submitters: Benign (2). 1 of the submissions does not count toward it. Last evaluated 2026-02-03.

Conditions:
GABRB1-related disorder. Also called: GABRB1-related condition.

Allele frequency attached by ClinVar (database versions not stated): 1000 Genomes Project 0.01538; gnomAD 0.01704 and 0.01855; ESP Exome Variant Server 0.01845; 1000 Genomes Project 30x 0.01608; TOPMed 0.01840; gnomAD exomes 0.00393; ExAC 0.00503.
gnomAD v4.1: 4,914 of 1,614,138 alleles (0.3%); highest among the groups gnomAD compares: African/African-American, 5.9%; 140 homozygotes.

Submissions (3):

Labcorp Genetics (formerly Invitae), Labcorp
Classification: Benign. Last evaluated: 2026-02-03. Review status: criteria provided, single submitter. Criteria: Invitae Variant Classification Sherloc (09022015). Collection method: clinical testing. Allele origin: germline.

Breakthrough Genomics
Classification: Benign. Review status: criteria provided, single submitter. Criteria: ACMG Guidelines, 2015. Collection method: not provided. Allele origin: germline. Inheritance: Autosomal dominant inheritance. Affected: yes.

PreventionGenetics, part of Exact Sciences
Classification: Benign for GABRB1-related condition. Last evaluated: 2019-04-02. Review status: no assertion criteria provided. Collection method: clinical testing. Allele origin: germline. Not counted in ClinVar's aggregate classification.
Comment: This variant is classified as benign based on ACMG/AMP sequence variant interpretation guidelines (Richards et al. 2015 PMID: 25741868, with internal and published modifications).

NM_000812.4(GABRB1):c.987C>T (p.Tyr329=)

Gene: GABRB1 (gamma-aminobutyric acid type A receptor subunit beta1; plus strand). Cytogenetic location: 4p12.
Variant type: single nucleotide variant.
Coding change: c.987C>T on transcript NM_000812.4 (MANE Select); coding-DNA position 987, C replaced by T.
Protein change: p.Tyr329=; no amino-acid change (tyrosine 329 retained).
Molecular consequence: synonymous variant.
Genome position (GRCh38, 1-based): chr4:47,406,833, C>T. VCF-style: chr4-47406833-C-T. GRCh37 (hg19) VCF-style: chr4-47408850-C-T.
Identifiers: ClinVar variation 769631 (VCV000769631.14), dbSNP rs115114447, ClinGen allele CA2907718.